The following is an entry in ClinVar:

NM_001365276.2(TNXB):c.6139C>T (p.Pro2047Ser)

Gene: TNXB (tenascin XB; minus strand). Cytogenetic location: 6p21.33.
Variant type: single nucleotide variant.
Coding change: c.6139C>T on transcript NM_001365276.2 (MANE Select); coding-DNA position 6139, C replaced by T.
Protein change: p.Pro2047Ser; replaces proline 2047 with serine.
Molecular consequence: missense variant.
Genome position (GRCh38, 1-based): chr6:32,068,471, G>A on the plus strand (C>T on the coding strand, the complement: TNXB is on the minus strand). VCF-style: chr6-32068471-G-A. GRCh37 (hg19) VCF-style: chr6-32036248-G-A.
Other names: c.6139C>T, p.Pro2047Ser (NM_019105.8); short protein forms P2047S.
Identifiers: ClinVar variation 2451120 (VCV002451120.2), dbSNP rs1426356501, ClinGen allele CA363402840.

ClinVar aggregate classification (germline): Uncertain significance (1 of 4 stars; one submission).

Conditions:
Cardiovascular phenotype. Identifiers: MedGen CN230736.

Allele frequency attached by ClinVar (database versions not stated): gnomAD 0.00001; TOPMed 0.00001.
gnomAD v4.1: 1 of 1,613,758 alleles (0.000062%); highest among the groups gnomAD compares: African/African-American, 0.0013%; no homozygotes.

Submission:

Ambry Genetics
Classification: Uncertain significance for Cardiovascular phenotype. Last evaluated: 2022-11-15. Review status: criteria provided, single submitter. Criteria: Ambry Variant Classification Scheme 2023. Collection method: clinical testing. Allele origin: germline.
Comment: The p.P2047S variant (also known as c.6139C>T), located in coding exon 16 of the TNXB gene, results from a C to T substitution at nucleotide position 6139. The proline at codon 2047 is replaced by serine, an amino acid with similar properties. This amino acid position is conserved. In addition, this alteration is predicted to be tolerated by in silico analysis. Since supporting evidence is limited at this time, the clinical significance of this alteration remains unclear.